The following is an entry in ClinVar:

NM_003672.4(CDC14A):c.1775T>C (p.Val592Ala)

Gene: CDC14A (cell division cycle 14A; plus strand). Cytogenetic location: 1p21.2.
Variant type: single nucleotide variant.
Coding change: c.1775T>C on transcript NM_003672.4 (MANE Select); coding-DNA position 1775, T replaced by C.
Protein change: p.Val592Ala; replaces valine 592 with alanine.
Molecular consequence: missense variant. On other transcripts: 3 prime UTR variant (1).
Genome position (GRCh38, 1-based): chr1:100,518,270, T>C. VCF-style: chr1-100518270-T-C. GRCh37 (hg19) VCF-style: chr1-100983826-T-C.
Other names: c.*66T>C (NM_001319210.2); short protein forms V592A.
Identifiers: ClinVar variation 3903196 (VCV003903196.2).
Genomic context (GRCh38, chr1:100,518,270, plus strand): 5'-GTGATGGAATTTAACCTCAGTTTATGTCTCTCCCTGCACAGTCCCTTCAGTCTGAATATG[T>C]TCATTACTAAGGCCTTGCCACTCCAGTGAAAGCTGTTCTTCTCTTAGACACAATTTCTTC-3'
Protein context (NP_003663.2, residues 582-594): RSIPSLQSEY[Val592Ala]HY

ClinVar aggregate classification (germline): Uncertain significance (1 of 4 stars; one submission).

gnomAD v4.1: 22 of 1,611,488 alleles (0.0014%); highest among the groups gnomAD compares: African/African-American, 0.027%; no homozygotes.

Submission:

GeneDx
Classification: Uncertain significance. Last evaluated: 2026-09-17. Review status: criteria provided, single submitter. Criteria: GeneDx Variant Classification Process June 2021. Collection method: clinical testing. Allele origin: germline.
Comment: In silico analysis suggests that this missense variant does not alter protein structure/function; Has not been previously published as pathogenic or benign to our knowledge